The following is an entry in ClinVar:

ClinVar aggregate classification (germline): Uncertain significance. Review status: criteria provided, multiple submitters, no conflicts (2 of 4 stars). 2 submissions from 2 submitters: Uncertain significance (2). Last evaluated 2026-01-13.

Conditions:
Hereditary cancer-predisposing syndrome. Also called: Neoplastic Syndromes, Hereditary; Tumor predisposition; Hereditary Cancer Syndrome; Hereditary neoplastic syndrome. Identifiers: Orphanet 140162, MedGen C0027672, MeSH D009386, MONDO:0015356.
Familial adenomatous polyposis 1 (FAP1). Also called: FAMILIAL ADENOMATOUS POLYPOSIS 1, ATTENUATED; POLYPOSIS, ADENOMATOUS INTESTINAL. Identifiers: MedGen C2713442, MONDO:0021056, OMIM 175100. Disease mechanism: loss of function.

Allele frequency attached by ClinVar (database versions not stated): gnomAD exomes below 0.00001.
gnomAD v4.1: 1 of 1,614,190 alleles (0.000062%); highest among the groups gnomAD compares: Admixed American, 0.0017%; no homozygotes.

Submissions (2):

Ambry Genetics
Classification: Uncertain significance for Hereditary cancer-predisposing syndrome. Last evaluated: 2026-01-13. Review status: criteria provided, single submitter. Criteria: Ambry Variant Classification Scheme 2023. Collection method: clinical testing. Allele origin: germline.
Comment: The p.M91L variant (also known as c.271A>T), located in coding exon 3 of the APC gene, results from an A to T substitution at nucleotide position 271. The methionine at codon 91 is replaced by leucine, an amino acid with highly similar properties. This amino acid position is conserved. In addition, in silico predictors for this gene do not accurately predict pathogenicity. Based on the available evidence, the clinical significance of this variant remains unclear.

Labcorp Genetics (formerly Invitae), Labcorp
Classification: Uncertain significance for Familial adenomatous polyposis 1. Last evaluated: 2021-11-17. Review status: criteria provided, single submitter. Criteria: Invitae Variant Classification Sherloc (09022015). Collection method: clinical testing. Allele origin: germline.
Comment: This sequence change replaces methionine, which is neutral and non-polar, with leucine, which is neutral and non-polar, at codon 91 of the APC protein (p.Met91Leu). This variant is present in population databases (no rsID available, gnomAD 0.003%). This variant has not been reported in the literature in individuals affected with APC-related conditions. In summary, the available evidence is currently insufficient to determine the role of this variant in disease. Therefore, it has been classified as a Variant of Uncertain Significance. Algorithms developed to predict the effect of missense changes on protein structure and function (SIFT, PolyPhen-2, Align-GVGD) all suggest that this variant is likely to be tolerated.

NM_000038.6(APC):c.271A>T (p.Met91Leu)

Gene: APC (APC regulator of Wnt signaling pathway; plus strand). Cytogenetic location: 5q22.2.
Variant type: single nucleotide variant.
Coding change: c.271A>T on transcript NM_000038.6 (MANE Select); coding-DNA position 271, A replaced by T.
Protein change: p.Met91Leu; replaces methionine 91 with leucine.
Molecular consequence: missense variant. On other transcripts: 5 prime UTR variant (1).
Genome position (GRCh38, 1-based): chr5:112,767,239, A>T. VCF-style: chr5-112767239-A-T. GRCh37 (hg19) VCF-style: chr5-112102936-A-T.
Other names: c.271A>T, p.Met91Leu (NM_001127510.3, NM_001354895.2, NM_001354896.2 and 16 more transcripts); c.301A>T, p.Met101Leu (NM_001127511.3, NM_001354897.2, NM_001354902.2 and 1 more transcripts); c.196A>T, p.Met66Leu (NM_001354898.2, NM_001354904.2, NM_001407451.1); c.94A>T, p.Met32Leu (NM_001354900.2, NM_001354901.2, NM_001354905.2 and 1 more transcripts); c.-765A>T (NM_001354906.2, NM_001407470.1, NM_001407471.1 and 1 more transcripts); c.271A>T (NM_000038.5); short protein forms M32L, M66L, M91L, M101L.
Identifiers: ClinVar variation 1974736 (VCV001974736.6), dbSNP rs1232885514, ClinGen allele CA16021931.